The following is an entry in ClinVar:

ClinVar aggregate classification (germline): Benign/Likely benign. Review status: criteria provided, multiple submitters, no conflicts (2 of 4 stars). 3 submissions from 3 submitters: Benign (1); Likely benign (2). Last evaluated 2024-05-21.

Conditions:
Familial cancer of breast. Also called: Hereditary breast cancer; BREAST CANCER, FAMILIAL; hereditary breast carcinoma. Identifiers: Orphanet 227535, MedGen C0346153, MONDO:0016419, OMIM 114480. Disease mechanism: loss of function.
Ataxia-telangiectasia syndrome (AT). Also called: ATAXIA-TELANGIECTASIA, COMPLEMENTATION GROUP A; Ataxia telangiectasia (A-T); Ataxia-telangiectasia, complementation group E; Ataxia-telangiectasia; Cerebello-oculocutaneous telangiectasia; Immunodeficiency with ataxia telangiectasia. Identifiers: Orphanet 100, MedGen C0004135, MONDO:0008840, OMIM 208900.
Hereditary cancer-predisposing syndrome. Also called: Neoplastic Syndromes, Hereditary; Tumor predisposition; Hereditary Cancer Syndrome; Hereditary neoplastic syndrome. Identifiers: Orphanet 140162, MedGen C0027672, MeSH D009386, MONDO:0015356.

Allele frequency attached by ClinVar (database versions not stated): TOPMed 0.00001.

Submissions (3):

Myriad Genetics, Inc.
Classification: Benign for Familial cancer of breast. Last evaluated: 2024-05-21. Review status: criteria provided, single submitter. Criteria: Myriad Autosomal Dominant, Autosomal Recessive and X-Linked Classification Criteria (2023). Collection method: clinical testing. Allele origin: unknown.
Comment: This variant is considered benign. This variant is a silent/synonymous amino acid change and it is not expected to impact splicing.

Labcorp Genetics (formerly Invitae), Labcorp
Classification: Likely benign for Ataxia-telangiectasia syndrome. Last evaluated: 2023-10-23. Review status: criteria provided, single submitter. Criteria: Invitae Variant Classification Sherloc (09022015). Collection method: clinical testing. Allele origin: germline.

Ambry Genetics
Classification: Likely benign for Hereditary cancer-predisposing syndrome. Last evaluated: 2021-10-11. Review status: criteria provided, single submitter. Criteria: Ambry Variant Classification Scheme 2023. Collection method: clinical testing. Allele origin: germline.

NM_000051.4(ATM):c.4939C>T (p.Leu1647=)

Gene: ATM (ATM serine/threonine kinase; plus strand). Cytogenetic location: 11q22.3.
Variant type: single nucleotide variant.
Coding change: c.4939C>T on transcript NM_000051.4 (MANE Select); coding-DNA position 4939, C replaced by T.
Protein change: p.Leu1647=; no amino-acid change (leucine 1647 retained).
Molecular consequence: synonymous variant.
Genome position (GRCh38, 1-based): chr11:108,297,316, C>T. VCF-style: chr11-108297316-C-T. GRCh37 (hg19) VCF-style: chr11-108168043-C-T.
Other names: c.4939C>T, p.Leu1647= (NM_001351834.2).
Identifiers: ClinVar variation 1569098 (VCV001569098.11), dbSNP rs1157451668, ClinGen allele CA476674594.